The following is an entry in ClinVar:

ClinVar aggregate classification (germline): Likely benign (1 of 4 stars; one submission).

Allele frequency attached by ClinVar (database versions not stated): gnomAD 0.00001; ESP Exome Variant Server 0.00009.
gnomAD v4.1: 11 of 1,211,182 alleles (0.00091%); highest among the groups gnomAD compares: Non-Finnish European, 0.0012%; no homozygotes.

Submission:

CeGaT Center for Human Genetics Tuebingen
Classification: Likely benign. Last evaluated: 2023-11-01. Review status: criteria provided, single submitter. Criteria: CeGaT Center For Human Genetics Tuebingen Variant Classification Criteria Version 2. Collection method: clinical testing. Allele origin: germline. Affected: yes. Observed: 1 variant allele.
Comment: AR: BP4, BP7

NM_000044.6(AR):c.957G>T (p.Gly319=)

Gene: AR (androgen receptor; plus strand). Cytogenetic location: Xq12.
Variant type: single nucleotide variant.
Coding change: c.957G>T on transcript NM_000044.6 (MANE Select); coding-DNA position 957, G replaced by T.
Protein change: p.Gly319=; no amino-acid change (glycine 319 retained).
Molecular consequence: synonymous variant. On other transcripts: 5 prime UTR variant (1).
Genome position (GRCh38, 1-based): chrX:67,546,103, G>T. VCF-style: chrX-67546103-G-T. GRCh37 (hg19) VCF-style: chrX-66765945-G-T.
Other names: c.957G>T, p.Gly319= (NM_001348063.1, NM_001348064.1, NM_001424175.1 and 1 more transcripts); c.-827G>T (NM_001011645.3).
Identifiers: ClinVar variation 2673238 (VCV002673238.23), dbSNP rs368345903, ClinGen allele CA330757149.
Genomic context (GRCh38, chrX:67,546,103, plus strand): 5'-AGGCAAGAGCACTGAAGATACTGCTGAGTATTCCCCTTTCAAGGGAGGTTACACCAAAGG[G>T]CTAGAAGGCGAGAGCCTAGGCTGCTCTGGCAGCGCTGCAGCAGGGAGCTCCGGGACACTT-3'
Protein context (NP_000035.2, residues 309-329): YSPFKGGYTK[Gly319=]LEGESLGCSG